The following is an entry in ClinVar:

ClinVar aggregate classification (germline): Uncertain significance (1 of 4 stars; one submission).

Conditions:
Inborn genetic diseases. Identifiers: MedGen C0950123, MeSH D030342.

gnomAD v4.1: 1 of 1,613,652 alleles (0.000062%); highest among the groups gnomAD compares: Non-Finnish European, 0.000085%; no homozygotes.

Submission:

Ambry Genetics
Classification: Uncertain significance for Inborn genetic diseases. Last evaluated: 2025-12-02. Review status: criteria provided, single submitter. Criteria: Ambry Variant Classification Scheme 2023. Collection method: clinical testing. Allele origin: germline.
Comment: The p.P859S variant (also known as c.2575C>T), located in coding exon 1 of the SAMD9 gene, results from a C to T substitution at nucleotide position 2575. The proline at codon 859 is replaced by serine, an amino acid with similar properties. This amino acid position is conserved. In addition, this alteration is predicted to be tolerated by in silico analysis. Based on the available evidence, the clinical significance of this variant remains unclear.

NM_017654.4(SAMD9):c.2575C>T (p.Pro859Ser)

Gene: SAMD9 (sterile alpha motif domain containing 9; minus strand). Cytogenetic location: 7q21.2.
Variant type: single nucleotide variant.
Coding change: c.2575C>T on transcript NM_017654.4 (MANE Select); coding-DNA position 2575, C replaced by T.
Protein change: p.Pro859Ser; replaces proline 859 with serine.
Molecular consequence: missense variant.
Genome position (GRCh38, 1-based): chr7:93,103,523, G>A on the plus strand (C>T on the coding strand, the complement: SAMD9 is on the minus strand). VCF-style: chr7-93103523-G-A. GRCh37 (hg19) VCF-style: chr7-92732836-G-A.
Other names: c.2575C>T, p.Pro859Ser (NM_001193307.2); short protein forms P859S.
Identifiers: ClinVar variation 4629977 (VCV004629977.1).